The following is an entry in ClinVar:

ClinVar aggregate classification (germline): Pathogenic (1 of 4 stars; one submission).

Submission:

GeneDx
Classification: Pathogenic. Last evaluated: 2021-02-24. Review status: criteria provided, single submitter. Criteria: GeneDx Variant Classification Process June 2021. Collection method: clinical testing. Allele origin: germline. Affected: yes.
Comment: Frameshift variant predicted to result in protein truncation or nonsense mediated decay in a gene for which loss-of-function is a known mechanism of disease; Not observed in large population cohorts (Lek et al., 2016); Has not been previously published as pathogenic or benign to our knowledge

NM_005121.3(MED13):c.3005_3008del (p.Pro1002fs)

Gene: MED13 (mediator complex subunit 13; minus strand). Cytogenetic location: 17q23.2.
Variant type: Microsatellite.
Coding change: c.3005_3008del on transcript NM_005121.3 (MANE Select); coding-DNA positions 3005 to 3008, 4 bases deleted (CTTC; older notation c.3005_3008delCTTC).
Protein change: p.Pro1002fs; shifts the reading frame from proline 1002.
Molecular consequence: frameshift variant.
Genome position (GRCh38, 1-based): chr17:61,982,995-61,982,998, GAAG deleted on the plus strand (CTTC on the coding strand, the reverse complement: MED13 is on the minus strand); deleting any 4 consecutive bases within chr17:61,982,995-61,983,002 gives the same sequence; the c. name uses the placement nearest the transcript's 3' end. VCF-style (leftmost placement, unchanged base first): chr17-61982994-AGAAG-A. GRCh37 (hg19) VCF-style: chr17-60060355-AGAAG-A.
Other names: c.3005_3008delCTTC (NM_005121.2); short protein forms P1002fs.
Identifiers: ClinVar variation 817075 (VCV000817075.2), dbSNP rs1603396835, ClinGen allele CA915950704.
Genomic context (GRCh38, chr17:61,982,994, plus strand): 5'-TCCACGAGGAGTCCGAGGAGTCCTTGGAGTCCTTGGAGTTGGAAACCGAGGGGTGGATGG[AGAAG>A]GAAGAATTCCTGCTCCGCTGTTACTAGGAGGTGCACTGCTAGGAGGCATCCCAAAAGAAG-3'